The following is an entry in ClinVar:

ClinVar aggregate classification (germline): Pathogenic (1 of 4 stars; one submission).

Conditions:
Aortic valve disease 2 (AOVD2). Identifiers: MedGen C3542024, MONDO:0013902, OMIM 614823.

Submission:

Labcorp Genetics (formerly Invitae), Labcorp
Classification: Pathogenic for Aortic valve disease 2. Last evaluated: 2022-09-01. Review status: criteria provided, single submitter. Criteria: Invitae Variant Classification Sherloc (09022015). Collection method: clinical testing. Allele origin: germline.
Comment: For these reasons, this variant has been classified as Pathogenic. This variant disrupts a region of the TBX5 protein in which other variant(s) (p.Tyr368*) have been determined to be pathogenic (Invitae). This suggests that this is a clinically significant region of the protein, and that variants that disrupt it are likely to be disease-causing. This variant has not been reported in the literature in individuals affected with TBX5-related conditions. This variant is a gross deletion of the genomic region encompassing exon(s) 4-9 of the TBX5 gene, which includes the termination codon. This deletion extends beyond the assayed region for this gene and therefore may encompass additional genes. While this deletion is not anticipated to lead to nonsense mediated decay, it is expected to alter mRNA translation or result in a truncated protein product.

NC_000012.11:g.(?_114793337)_(114837457_?)del

Gene: TBX5 (T-box transcription factor 5; minus strand). Cytogenetic location: 12q24.21.
Variant type: Deletion.
Identifiers: ClinVar variation 2422562 (VCV002422562.4).